The following is an entry in ClinVar:

ClinVar aggregate classification (germline): Likely benign. Review status: criteria provided, multiple submitters, no conflicts (2 of 4 stars). 3 submissions from 3 submitters: Likely benign (3). Last evaluated 2025-08-20.

Conditions:
Inborn genetic diseases. Identifiers: MedGen C0950123, MeSH D030342.

Allele frequency attached by ClinVar (database versions not stated): ExAC 0.00002; gnomAD 0.00006; TOPMed 0.00009; ESP Exome Variant Server 0.00015.
gnomAD v4.1: 128 of 1,613,948 alleles (0.0079%); highest among the groups gnomAD compares: Non-Finnish European, 0.01%; no homozygotes.

Submissions (3):

Labcorp Genetics (formerly Invitae), Labcorp
Classification: Likely benign. Last evaluated: 2025-08-20. Review status: criteria provided, single submitter. Criteria: Invitae Variant Classification Sherloc (09022015). Collection method: clinical testing. Allele origin: germline.

Mayo Clinic Laboratories, Mayo Clinic
Classification: Likely benign. Last evaluated: 2025-06-17. Review status: criteria provided, single submitter. Criteria: ACMG Guidelines, 2015. Collection method: clinical testing. Allele origin: germline. Observed: 1 variant allele.
Comment: BS2, BP4, BP7

Ambry Genetics
Classification: Likely benign for Inborn genetic diseases. Last evaluated: 2021-01-11. Review status: criteria provided, single submitter. Criteria: Ambry Variant Classification Scheme 2023. Collection method: clinical testing. Allele origin: germline.

NM_001231.5(CASQ1):c.591C>T (p.Phe197=)

Gene: CASQ1 (calsequestrin 1; plus strand). Cytogenetic location: 1q23.2.
Variant type: single nucleotide variant.
Coding change: c.591C>T on transcript NM_001231.5 (MANE Select); coding-DNA position 591, C replaced by T.
Protein change: p.Phe197=; no amino-acid change (phenylalanine 197 retained).
Molecular consequence: synonymous variant.
Genome position (GRCh38, 1-based): chr1:160,195,474, C>T. VCF-style: chr1-160195474-C-T. GRCh37 (hg19) VCF-style: chr1-160165264-C-T.
Other names: p.Phe197=.
Identifiers: ClinVar variation 1750490 (VCV001750490.8), dbSNP rs141157148, ClinGen allele CA1196259.